The following is an entry in ClinVar:

NM_006329.4(FBLN5):c.103C>T (p.Arg35Cys)

Gene: FBLN5 (fibulin 5; minus strand). Cytogenetic location: 14q32.12.
Variant type: single nucleotide variant.
Coding change: c.103C>T on transcript NM_006329.4 (MANE Select); coding-DNA position 103, C replaced by T.
Protein change: p.Arg35Cys; replaces arginine 35 with cysteine.
Molecular consequence: missense variant. On other transcripts: 5 prime UTR variant (2).
Genome position (GRCh38, 1-based): chr14:91,940,586, G>A on the plus strand (C>T on the coding strand, the complement: FBLN5 is on the minus strand). VCF-style: chr14-91940586-G-A. GRCh37 (hg19) VCF-style: chr14-92406930-G-A.
Other names: c.103C>T, p.Arg35Cys (NM_001384158.1, NM_001384160.1); c.154C>T, p.Arg52Cys (NM_001384159.1); c.-167C>T (NM_001384161.1, NM_001384162.1); short protein forms R35C, R52C.
Identifiers: ClinVar variation 1374920 (VCV001374920.7), dbSNP rs2140052757, ClinGen allele CA390641324.

ClinVar aggregate classification (germline): Uncertain significance. Review status: criteria provided, multiple submitters, no conflicts (2 of 4 stars). 2 submissions from 2 submitters: Uncertain significance (2). Last evaluated 2026-09-21.

Conditions:
Cardiovascular phenotype. Identifiers: MedGen CN230736.

Allele frequency attached by ClinVar (database versions not stated): gnomAD exomes below 0.00001.
gnomAD v4.1: 1 of 1,613,994 alleles (0.000062%); highest among the groups gnomAD compares: Middle Eastern, 0.016%; no homozygotes.

Submissions (2):

Molecular Diagnostic Laboratory for Inherited Cardiovascular Disease, Montreal Heart Institute
Classification: Uncertain significance for Cardiovascular phenotype. Last evaluated: 2026-09-21. Review status: criteria provided, single submitter. Criteria: ACMG Guidelines, 2015. Collection method: clinical testing. Allele origin: germline. Affected: yes.
Comment: PM2

Labcorp Genetics (formerly Invitae), Labcorp
Classification: Uncertain significance. Last evaluated: 2022-10-03. Review status: criteria provided, single submitter. Criteria: Invitae Variant Classification Sherloc (09022015). Collection method: clinical testing. Allele origin: germline.
Comment: This sequence change replaces arginine, which is basic and polar, with cysteine, which is neutral and slightly polar, at codon 35 of the FBLN5 protein (p.Arg35Cys). This variant is not present in population databases (gnomAD no frequency). In summary, the available evidence is currently insufficient to determine the role of this variant in disease. Therefore, it has been classified as a Variant of Uncertain Significance. Algorithms developed to predict the effect of missense changes on protein structure and function (SIFT, PolyPhen-2, Align-GVGD) all suggest that this variant is likely to be disruptive. ClinVar contains an entry for this variant (Variation ID: 1374920). This variant has not been reported in the literature in individuals affected with FBLN5-related conditions.